The following is an entry in ClinVar:

ClinVar aggregate classification (germline): Benign/Likely benign. Review status: criteria provided, multiple submitters, no conflicts (2 of 4 stars). 15 submissions from 13 submitters: Benign (9); Likely benign (4). 2 of the submissions do not count toward it. Last evaluated 2026-01-29.

Conditions:
Mitochondrial complex II deficiency, nuclear type 1. Also called: SUCCINATE CoQ REDUCTASE DEFICIENCY. Identifiers: Orphanet 3208, MedGen C5700310, MONDO:0100294, OMIM 252011.
Pheochromocytoma/paraganglioma syndrome 5. Also called: Paragangliomas 5; SDHA-Related Hereditary Paraganglioma-Pheochromocytoma Syndrome. Identifiers: Orphanet 29072, MedGen C3279992, MONDO:0013602, OMIM 614165.
Hereditary cancer-predisposing syndrome. Also called: Tumor predisposition; Neoplastic Syndromes, Hereditary; Hereditary Cancer Syndrome; Hereditary neoplastic syndrome. Identifiers: Orphanet 140162, MedGen C0027672, MeSH D009386, MONDO:0015356.
Leigh syndrome (NULS). Also called: Leigh's necrotizing encephalopathy; Leigh Syndrome (mtDNA deletion); Subacute necrotizing encephalopathy; Necrotizing encephalopathy infantile subacute of Leigh; LEIGH SYNDROME, NUCLEAR; Leigh's syndrome. Identifiers: Orphanet 506, MedGen C2931891, MONDO:0009723, OMIM 256000.
Hereditary pheochromocytoma and paraganglioma. Also called: Hereditary paragangliomas and pheochromocytomas; Hereditary pheochromocytoma-paraganglioma; Hereditary Paraganglioma-Pheochromocytoma Syndromes. Identifiers: Orphanet 29072, MedGen C4274332, MONDO:0017366.

Allele frequency attached by ClinVar (database versions not stated): ESP Exome Variant Server 0.09269; gnomAD 0.23422 and 0.24550; 1000 Genomes Project 30x 0.25843.
gnomAD v4.1: 227,759 of 1,571,694 alleles (14%); highest among the groups gnomAD compares: African/African-American, 53%; 22,863 homozygotes.

Submissions (15):

Labcorp Genetics (formerly Invitae), Labcorp
Classification: Benign for Pheochromocytoma/paraganglioma syndrome 5; Mitochondrial complex II deficiency, nuclear type 1. Last evaluated: 2026-01-29. Review status: criteria provided, single submitter. Criteria: Invitae Variant Classification Sherloc (09022015). Collection method: clinical testing. Allele origin: germline.

Myriad Genetics, Inc.
Classification: Benign for Pheochromocytoma/paraganglioma syndrome 5. Last evaluated: 2025-03-11. Review status: criteria provided, single submitter. Criteria: Myriad Autosomal Dominant, Autosomal Recessive and X-Linked Classification Criteria (2023). Collection method: clinical testing. Allele origin: unknown.
Comment: This variant is considered benign. This variant has been observed at a population frequency that is significantly greater than expected given the associated disease prevalence and penetrance.

Hereditary Cancer Laboratory, Hospital Universitario 12 de Octubre
Classification: Benign for Hereditary cancer-predisposing syndrome. Last evaluated: 2025-01-08. Review status: criteria provided, single submitter. Criteria: ACMG Guidelines, 2015. Collection method: clinical testing. Allele origin: germline.
Comment: BA1+BP6

Blueprint Genetics
Classification: Benign. Last evaluated: 2024-11-26. Review status: criteria provided, single submitter. Criteria: ACMG Guidelines, 2015. Collection method: clinical testing. Allele origin: germline.

Mayo Clinic Laboratories, Mayo Clinic
Classification: Benign. Last evaluated: 2024-04-29. Review status: criteria provided, single submitter. Criteria: ACMG Guidelines, 2015. Collection method: clinical testing. Allele origin: germline. Observed: 503 variant alleles.

KCCC/NGS Laboratory, Kuwait Cancer Control Center
Classification: Benign for Pheochromocytoma/paraganglioma syndrome 5. Last evaluated: 2023-07-07. Review status: criteria provided, single submitter. Criteria: ACMG Guidelines, 2015. Collection method: clinical testing. Allele origin: germline. Affected: yes.

Illumina Laboratory Services, Illumina
Classification: Likely benign for Mitochondrial complex II deficiency, nuclear type 1. Last evaluated: 2017-04-27. Review status: criteria provided, single submitter. Criteria: ICSL Variant Classification Criteria 13 December 2019. Collection method: clinical testing. Allele origin: germline.
Comment: This variant was observed as part of a predisposition screen in an ostensibly healthy population. A literature search was performed for the gene, cDNA change, and amino acid change (where applicable). No publications were found based on this search. Allele frequency data from public databases allowed determination this variant is unlikely to cause disease. Therefore, this variant is classified as likely benign.

Illumina Laboratory Services, Illumina
Classification: Likely benign for Hereditary Paraganglioma-Pheochromocytoma Syndromes. Last evaluated: 2017-04-27. Review status: criteria provided, single submitter. Criteria: ICSL Variant Classification Criteria 13 December 2019. Collection method: clinical testing. Allele origin: germline.
Comment: This variant was observed as part of a predisposition screen in an ostensibly healthy population. A literature search was performed for the gene, cDNA change, and amino acid change (where applicable). Publications were found based on this search. The evidence from the literature, in combination with allele frequency data from public databases where available, was sufficient to determine this variant is unlikely to cause disease. Therefore, this variant is classified as likely benign.

Illumina Laboratory Services, Illumina
Classification: Likely benign for Leigh syndrome. Last evaluated: 2017-04-27. Review status: criteria provided, single submitter. Criteria: ICSL Variant Classification Criteria 13 December 2019. Collection method: clinical testing. Allele origin: germline.
Comment: the same text as in the submission from Illumina Laboratory Services, Illumina above.

GeneDx
Classification: Benign. Last evaluated: 2015-03-03. Review status: criteria provided, single submitter. Criteria: GeneDx Variant Classification Process June 2021. Collection method: clinical testing. Allele origin: germline. Affected: yes.
Comment: This variant is associated with the following publications: (PMID: 17298551, 28724664)

Ambry Genetics
Classification: Benign for Hereditary cancer-predisposing syndrome. Last evaluated: 2014-11-28. Review status: criteria provided, single submitter. Criteria: Ambry Variant Classification Scheme 2023. Collection method: clinical testing. Allele origin: germline.

Breakthrough Genomics
Classification: Likely benign. Review status: criteria provided, single submitter. Criteria: ACMG Guidelines, 2015. Collection method: not provided. Allele origin: germline. Inheritance: Autosomal recessive inheritance. Affected: yes.

PreventionGenetics, part of Exact Sciences
Classification: Benign. Review status: criteria provided, single submitter. Criteria: ACMG Guidelines, 2015. Collection method: clinical testing. Allele origin: germline.

Diagnostic Laboratory, Department of Genetics, University Medical Center Groningen
Classification: Benign. Review status: no assertion criteria provided. Collection method: clinical testing. Allele origin: germline. Affected: yes. Study: VKGL Data-share Consensus. Not counted in ClinVar's aggregate classification.

Joint Genome Diagnostic Labs from Nijmegen and Maastricht, Radboudumc and MUMC+
Classification: Benign. Review status: no assertion criteria provided. Collection method: clinical testing. Allele origin: germline. Affected: yes. Study: VKGL Data-share Consensus. Not counted in ClinVar's aggregate classification.

Literature cited by the submitters: PubMed 20484225 (cited by Illumina Laboratory Services, Illumina); PubMed 17376234 (cited by Illumina Laboratory Services, Illumina).

NM_004168.4(SDHA):c.1886A>T (p.Tyr629Phe)

Gene: SDHA (succinate dehydrogenase complex flavoprotein subunit A; plus strand). Cytogenetic location: 5p15.33.
Variant type: single nucleotide variant.
Coding change: c.1886A>T on transcript NM_004168.4 (MANE Select); coding-DNA position 1886, A replaced by T.
Protein change: p.Tyr629Phe; replaces tyrosine 629 with phenylalanine.
Molecular consequence: missense variant.
Genome position (GRCh38, 1-based): chr5:254,484, A>T. VCF-style: chr5-254484-A-T. GRCh37 (hg19) VCF-style: chr5-254599-A-T.
Other names: c.1742A>T, p.Tyr581Phe (NM_001294332.2); c.1643A>T, p.Tyr548Phe (NM_001330758.2); c.1886A>T (NM_004168.3); short protein forms Y629F, Y581F, Y548F.
Identifiers: ClinVar variation 224949 (VCV000224949.31), dbSNP rs6960, ClinGen allele CA358567.